The following is an entry in ClinVar:

NM_152296.5(ATP1A3):c.1630+4C>T

Gene: ATP1A3 (ATPase Na+/K+ transporting subunit alpha 3; minus strand). Cytogenetic location: 19q13.2.
Variant type: single nucleotide variant.
Coding change: c.1630+4C>T on transcript NM_152296.5 (MANE Select); 4 bases into the intron after coding-DNA position 1630, C replaced by T.
Molecular consequence: intron variant.
Genome position (GRCh38, 1-based): chr19:41,978,602, G>A on the plus strand (C>T on the coding strand, the complement: ATP1A3 is on the minus strand). VCF-style: chr19-41978602-G-A. GRCh37 (hg19) VCF-style: chr19-42482754-G-A.
Other names: c.1669+4C>T (NM_001256214.2); c.1663+4C>T (NM_001256213.2).
Identifiers: ClinVar variation 1955704 (VCV001955704.5), dbSNP rs2075197609, ClinGen allele CA2336725085.

ClinVar aggregate classification (germline): Uncertain significance (1 of 4 stars; one submission).

Conditions:
Dystonia 12 (DYT12). Also called: DYT-ATP1A3; Rapid-Onset Dystonia-Parkinsonism (RDP). Identifiers: Orphanet 71517, MedGen C1868681, MONDO:0007496, OMIM 128235.

Allele frequency attached by ClinVar (database versions not stated): TOPMed below 0.00001.
gnomAD v4.1: 5 of 1,612,884 alleles (0.00031%); highest among the groups gnomAD compares: Non-Finnish European, 0.00025%; no homozygotes.

Submission:

Labcorp Genetics (formerly Invitae), Labcorp
Classification: Uncertain significance for Dystonia 12. Last evaluated: 2022-10-05. Review status: criteria provided, single submitter. Criteria: Invitae Variant Classification Sherloc (09022015). Collection method: clinical testing. Allele origin: germline.
Comment: In summary, the available evidence is currently insufficient to determine the role of this variant in disease. Therefore, it has been classified as a Variant of Uncertain Significance. Variants that disrupt the consensus splice site are a relatively common cause of aberrant splicing (PMID: 17576681, 9536098). Algorithms developed to predict the effect of sequence changes on RNA splicing suggest that this variant may create or strengthen a splice site. This variant has not been reported in the literature in individuals affected with ATP1A3-related conditions. This variant is not present in population databases (gnomAD no frequency). This sequence change falls in intron 12 of the ATP1A3 gene. It does not directly change the encoded amino acid sequence of the ATP1A3 protein. It affects a nucleotide within the consensus splice site.

Literature cited by the submitters: PubMed 17576681; PubMed 9536098.